The following is an entry in ClinVar:

ClinVar aggregate classification (germline): Uncertain significance (1 of 4 stars; one submission).

Submission:

GeneDx
Classification: Uncertain significance. Last evaluated: 2025-03-25. Review status: criteria provided, single submitter. Criteria: GeneDx Variant Classification Process June 2021. Collection method: clinical testing. Allele origin: germline. Affected: yes.
Comment: Not observed at significant frequency in large population cohorts (gnomAD); In silico analysis supports that this missense variant has a deleterious effect on protein structure/function; Has not been previously published as pathogenic or benign to our knowledge

NM_017635.5(KMT5B):c.389T>C (p.Ile130Thr)

Gene: KMT5B (lysine methyltransferase 5B; minus strand). Cytogenetic location: 11q13.2.
Variant type: single nucleotide variant.
Coding change: c.389T>C on transcript NM_017635.5 (MANE Select); coding-DNA position 389, T replaced by C.
Protein change: p.Ile130Thr; replaces isoleucine 130 with threonine.
Molecular consequence: missense variant. On other transcripts: 5 prime UTR variant (9), non-coding transcript variant (3).
Genome position (GRCh38, 1-based): chr11:68,175,172, A>G on the plus strand (T>C on the coding strand, the complement: KMT5B is on the minus strand). VCF-style: chr11-68175172-A-G. GRCh37 (hg19) VCF-style: chr11-67942639-A-G.
Other names: c.-128T>C (NM_001300907.1, NM_001369424.1, NM_001369428.1 and 5 more transcripts); c.-279T>C (NM_001300908.2); c.320T>C, p.Ile107Thr (NM_001300909.2); c.389T>C, p.Ile130Thr (NM_001363566.2, NM_001369426.1, NM_001369427.1 and 1 more transcripts); c.176T>C, p.Ile59Thr (NM_001369425.1); short protein forms I59T, I107T, I130T.
Identifiers: ClinVar variation 4087975 (VCV004087975.1).
Genomic context (GRCh38, chr11:68,175,172, plus strand): 5'-AAGTGTTCATCTTTCTTAAAACGTTCAATTACTTCCTTTAGTTCTTCCTGCCTTCCTTTA[A>G]TAGGCCTAAATCTGAAAGAAATCAAAAGAATGAATGGGTTATCTGCCACAATCCTTGCGC-3'
Protein context (NP_060105.3, residues 120-140): SHNNPVRFRP[Ile130Thr]KGRQEELKEV